The following is an entry in ClinVar:

ClinVar aggregate classification (germline): Uncertain significance. Review status: criteria provided, multiple submitters, no conflicts (2 of 4 stars). 2 submissions from 2 submitters: Uncertain significance (2). Last evaluated 2026-02-11.

Conditions:
Hereditary cancer-predisposing syndrome. Also called: Tumor predisposition; Hereditary Cancer Syndrome; Neoplastic Syndromes, Hereditary; Hereditary neoplastic syndrome. Identifiers: Orphanet 140162, MedGen C0027672, MeSH D009386, MONDO:0015356.

Submissions (2):

Ambry Genetics
Classification: Uncertain significance for Hereditary cancer-predisposing syndrome. Last evaluated: 2026-02-11. Review status: criteria provided, single submitter. Criteria: Ambry Variant Classification Scheme 2023. Collection method: clinical testing. Allele origin: germline.
Comment: The p.S47R variant (also known as c.141C>G), located in coding exon 1 of the RAD51C gene, results from a C to G substitution at nucleotide position 141. The serine at codon 47 is replaced by arginine, an amino acid with dissimilar properties. In a homology-directed DNA repair (HDR) assay, this alteration showed a functionally indeterminant read-out (Olvera-Le&oacute;n R et al. Cell, 2024 Oct;187:5719-5734.e19). This amino acid position is well conserved in available vertebrate species. In addition, this alteration is predicted to be tolerated by in silico analysis. Based on the available evidence, the clinical significance of this variant remains unclear.

Center for Genomic Medicine, Rigshospitalet, Copenhagen University Hospital
Classification: Uncertain significance. Last evaluated: 2025-12-29. Review status: criteria provided, single submitter. Criteria: ACMG Guidelines, 2015. Collection method: clinical testing. Allele origin: germline.

Literature cited by the submitters: PubMed 39299233 (cited by Ambry Genetics).

NM_058216.3(RAD51C):c.141C>G (p.Ser47Arg)

Gene: RAD51C (RAD51 paralog C; plus strand). Cytogenetic location: 17q22.
Variant type: single nucleotide variant.
Coding change: c.141C>G on transcript NM_058216.3 (MANE Select); coding-DNA position 141, C replaced by G.
Protein change: p.Ser47Arg; replaces serine 47 with arginine.
Molecular consequence: missense variant. On other transcripts: non-coding transcript variant (1).
Genome position (GRCh38, 1-based): chr17:58,692,784, C>G. VCF-style: chr17-58692784-C-G. GRCh37 (hg19) VCF-style: chr17-56770145-C-G.
Other names: c.141C>G, p.Ser47Arg (NM_002876.4); short protein forms S47R.
Identifiers: ClinVar variation 484755 (VCV000484755.9), dbSNP rs568912602, ClinGen allele CA400337842.